The following is an entry in ClinVar:

ClinVar aggregate classification (germline): Pathogenic (1 of 4 stars; one submission).

Conditions:
RPE65-related recessive retinopathy. Also called: Recessive RPE65 retinopathy. Identifiers: MedGen CN305526, MONDO:0100368.

Submission:

Myriad Genetics, Inc.
Classification: Pathogenic for RPE65-related recessive retinopathy. Last evaluated: 2024-05-14. Review status: criteria provided, single submitter. Criteria: Myriad Autosomal Dominant, Autosomal Recessive and X-Linked Classification Criteria (2023). Collection method: clinical testing. Allele origin: unknown.
Comment: NM_000329.2(RPE65):c.207_208ins7(F70Rfs*4) is expected to be pathogenic in the context of inherited retinal dystrophy, RPE65-related. This variant is predicted to lead to an abnormal or absent protein product due to the creation of a premature termination codon in RPE65, a gene where loss-of-function variants are known to be pathogenic. Please note: this variant was assessed in the context of healthy population screening.

NM_000329.3(RPE65):c.207_208insAGACAGT (p.Phe70fs)

Gene: RPE65 (retinoid isomerohydrolase RPE65; minus strand). Cytogenetic location: 1p31.3.
Variant type: Insertion.
Coding change: c.207_208insAGACAGT on transcript NM_000329.3 (MANE Select); coding-DNA positions 207 to 208, AGACAGT inserted.
Protein change: p.Phe70fs; shifts the reading frame from phenylalanine 70.
Molecular consequence: frameshift variant. On other transcripts: 5 prime UTR variant (1), intron variant (1).
Genome position: GRCh38 VCF-style: chr1-68446747-A-AACTGTCT. GRCh37 (hg19) VCF-style: chr1-68912430-A-AACTGTCT.
Other names: c.207_208insAGACAGT, p.Phe70fs (NM_001406853.1, NM_001406859.1, NM_001406860.1); c.-70_-69insAGACAGT (NM_001406857.1); c.-31-1865_-31-1864insAGACAGT (NM_001406856.1); short protein forms F70fs.
Identifiers: ClinVar variation 5010381 (VCV005010381.1).